The following is an entry in ClinVar:

ClinVar aggregate classification (germline): Uncertain significance (1 of 4 stars; one submission).

Submission:

GeneDx
Classification: Uncertain significance. Last evaluated: 2023-03-24. Review status: criteria provided, single submitter. Criteria: GeneDx Variant Classification Process June 2021. Collection method: clinical testing. Allele origin: germline. Affected: yes.
Comment: Not observed at significant frequency in large population cohorts (gnomAD); In silico analysis supports that this missense variant has a deleterious effect on protein structure/function; Has not been previously published as pathogenic or benign to our knowledge

NM_003590.5(CUL3):c.1643T>C (p.Leu548Pro)

Gene: CUL3 (cullin 3; minus strand). Cytogenetic location: 2q36.2.
Variant type: single nucleotide variant.
Coding change: c.1643T>C on transcript NM_003590.5 (MANE Select); coding-DNA position 1643, T replaced by C.
Protein change: p.Leu548Pro; replaces leucine 548 with proline.
Molecular consequence: missense variant.
Genome position (GRCh38, 1-based): chr2:224,497,817, A>G on the plus strand (T>C on the coding strand, the complement: CUL3 is on the minus strand). VCF-style: chr2-224497817-A-G. GRCh37 (hg19) VCF-style: chr2-225362534-A-G.
Other names: c.1445T>C, p.Leu482Pro (NM_001257197.2); c.1661T>C, p.Leu554Pro (NM_001257198.2); short protein forms L482P, L548P, L554P.
Identifiers: ClinVar variation 2580714 (VCV002580714.1), dbSNP rs2469957241, ClinGen allele CA350825679.